The following is an entry in ClinVar:

ClinVar aggregate classification (germline): Likely benign (1 of 4 stars; one submission).

gnomAD v4.1: 11 of 1,613,680 alleles (0.00068%); highest among the groups gnomAD compares: Middle Eastern, 0.033%; no homozygotes.

Submission:

CeGaT Center for Human Genetics Tuebingen
Classification: Likely benign. Last evaluated: 2024-09-01. Review status: criteria provided, single submitter. Criteria: CeGaT Center For Human Genetics Tuebingen Variant Classification Criteria Version 2. Collection method: clinical testing. Allele origin: germline. Affected: yes. Observed: 1 variant allele.
Comment: TAB2: BP4, BS2

NM_001292034.3(TAB2):c.676A>G (p.Thr226Ala)

Genes: TAB2 (TGF-beta activated kinase 1 (MAP3K7) binding protein 2; plus strand), LOC126859827 (BRD4-independent group 4 enhancer GRCh37_chr6:149699707-149700906; plus strand). Cytogenetic location: 6q25.1.
Variant type: single nucleotide variant.
Coding change: c.676A>G on transcript NM_001292034.3 (MANE Select); coding-DNA position 676, A replaced by G.
Protein change: p.Thr226Ala; replaces threonine 226 with alanine.
Molecular consequence: missense variant.
Genome position (GRCh38, 1-based): chr6:149,378,591, A>G. VCF-style: chr6-149378591-A-G. GRCh37 (hg19) VCF-style: chr6-149699727-A-G.
Other names: c.580A>G, p.Thr194Ala (NM_001292035.3); c.676A>G, p.Thr226Ala (NM_001369506.1, NM_015093.6); short protein forms T194A, T226A.
Identifiers: ClinVar variation 3388257 (VCV003388257.14).
Genomic context (GRCh38, chr6:149,378,591, plus strand): 5'-AACAGTCCACAGGGAAATTCTATCTATATTAGGCCTTACATTACAACTCCTGGTGGTACA[A>G]CTCGACAGACACAACAGCATTCTGGCTGGGTATCTCAGTTTAATCCCATGAACCCTCAGC-3'
Protein context (NP_001278963.1, residues 216-236): RPYITTPGGT[Thr226Ala]RQTQQHSGWV